The following is an entry in ClinVar:

ClinVar aggregate classification (germline): Conflicting classifications of pathogenicity. Review status: criteria provided, conflicting classifications (1 of 4 stars). 2 submissions from 2 submitters: Likely pathogenic (1); Uncertain risk allele (1). Last evaluated 2019-12-30.

Conditions:
Maturity-onset diabetes of the young (MODY). Also called: Maturity onset diabetes mellitus in young. Identifiers: Orphanet 552, MedGen C0342276, MONDO:0018911, HP:0004904.

Submissions (2):

Athena Diagnostics
Classification: Likely pathogenic. Last evaluated: 2019-12-30. Review status: criteria provided, single submitter. Criteria: Athena Diagnostics Criteria. Collection method: clinical testing. Allele origin: unknown.
Comment: The variant results in a shift of the reading frame, and is therefore predicted to result in the loss of a functional protein. Not found in the total gnomAD dataset, and the data is high quality.

Clinical Genomics, Uppaluri K&H Personalized Medicine Clinic
Classification: Uncertain risk allele for Maturity-onset diabetes of the young. Review status: criteria provided, single submitter. Criteria: K & H Uppaluri Personalized Medicine Clinic Variant Classification & Assertion Criteria_Updated V.1. Collection method: research. Allele origin: unknown. Inheritance: Autosomal dominant inheritance.
Comment: Mutations in HNF1A gene can predispose to MODY3. It is associated with both micro and macrovascular complications of diabetes, especially cardiovascular complications. Associated with glucosuria. May respond well to sulfonylureas. However, more evidence is required to confer the association of this particular variant rs1565885524 with MODY3.

Literature cited by the submitters: PubMed 31517624 (cited by Clinical Genomics, Uppaluri K&H Personalized Medicine Clinic); PubMed 32395877 (cited by Clinical Genomics, Uppaluri K&H Personalized Medicine Clinic); PubMed 35328643 (cited by Clinical Genomics, Uppaluri K&H Personalized Medicine Clinic); PubMed 35673428 (cited by Clinical Genomics, Uppaluri K&H Personalized Medicine Clinic).

NM_000545.8(HNF1A):c.586del (p.Thr196fs)

Gene: HNF1A (HNF1 homeobox A; plus strand). Cytogenetic location: 12q24.31.
Variant type: Deletion.
Coding change: c.586del on transcript NM_000545.8 (MANE Select); coding-DNA position 586, one base deleted (A; older notation c.586delA).
Protein change: p.Thr196fs; shifts the reading frame from threonine 196.
Molecular consequence: frameshift variant.
Genome position (GRCh38, 1-based): chr12:120,993,579, A deleted; the last of 2 consecutive A bases (chr12:120,993,578-120,993,579); deleting either gives the same sequence. VCF-style (leftmost placement, unchanged base first): chr12-120993577-CA-C. GRCh37 (hg19) VCF-style: chr12-121431380-CA-C.
Other names: c.586del, p.Thr196fs (NM_001306179.2); short protein forms T196fs.
Identifiers: ClinVar variation 586793 (VCV000586793.3), dbSNP rs1565885524, ClinGen allele CA891843851.